The following is an entry in ClinVar:

NM_018238.4(AGK):c.47C>T (p.Thr16Ile)

Gene: AGK (acylglycerol kinase; plus strand). Cytogenetic location: 7q34.
Variant type: single nucleotide variant.
Coding change: c.47C>T on transcript NM_018238.4 (MANE Select); coding-DNA position 47, C replaced by T.
Protein change: p.Thr16Ile; replaces threonine 16 with isoleucine.
Molecular consequence: missense variant.
Genome position (GRCh38, 1-based): chr7:141,555,513, C>T. VCF-style: chr7-141555513-C-T. GRCh37 (hg19) VCF-style: chr7-141255313-C-T.
Other names: p.Thr16Ile; c.47C>T, p.Thr16Ile (NM_001364948.3); short protein forms T16I.
Identifiers: ClinVar variation 4541339 (VCV004541339.1).

ClinVar aggregate classification (germline): Uncertain significance (1 of 4 stars; one submission).

gnomAD v4.1: 7 of 1,614,142 alleles (0.00043%); highest among the groups gnomAD compares: African/African-American, 0.0053%; no homozygotes.

Submission:

Mayo Clinic Laboratories, Mayo Clinic
Classification: Uncertain significance. Last evaluated: 2025-08-15. Review status: criteria provided, single submitter. Criteria: ACMG Guidelines, 2015. Collection method: clinical testing. Allele origin: germline. Observed: 1 variant allele.
Comment: BP4